The following is an entry in ClinVar:

ClinVar aggregate classification (germline): Uncertain significance. Review status: criteria provided, multiple submitters, no conflicts (2 of 4 stars). 2 submissions from 2 submitters: Uncertain significance (2). Last evaluated 2026-07-31.

Conditions:
Hereditary breast ovarian cancer syndrome. Also called: Hereditary breast and/or ovarian cancer syndrome; Breast and ovarian cancer; BRCA1- and BRCA2-Associated Hereditary Breast and Ovarian Cancer; Hereditary breast and ovarian cancer syndrome (HBOC); Hereditary breast and ovarian cancer syndrome; Hereditary breast and ovarian cancer. Identifiers: Orphanet 145, MedGen C0677776, MeSH D061325, MONDO:0003582. Disease mechanism: loss of function.
Hereditary cancer-predisposing syndrome. Also called: Hereditary Cancer Syndrome; Tumor predisposition; Hereditary neoplastic syndrome; Neoplastic Syndromes, Hereditary. Identifiers: Orphanet 140162, MedGen C0027672, MeSH D009386, MONDO:0015356.

Submissions (2):

Ambry Genetics
Classification: Uncertain significance for Hereditary cancer-predisposing syndrome. Last evaluated: 2026-07-31. Review status: criteria provided, single submitter. Criteria: Ambry Variant Classification Scheme 2023. Collection method: clinical testing. Allele origin: germline.
Comment: The p.N2622D variant (also known as c.7864A>G), located in coding exon 16 of the BRCA2 gene, results from an A to G substitution at nucleotide position 7864. The asparagine at codon 2622 is replaced by aspartic acid, an amino acid with highly similar properties. Two saturation genome editing-based studies, including a haploid cell-survival assay and a humanized mouse embryonic stem cell line assay of drug response and survival, demonstrate that this nucleotide substitution is non-functional (Huang H et al. Nature. 2025 Feb;638(8050):528-537; Sahu S et al. Nature. 2025 Feb;638(8050):538-545). This amino acid position is highly conserved in available vertebrate species. In addition, the in silico prediction for this alteration is inconclusive. Based on the available evidence, the clinical significance of this variant remains unclear.

Labcorp Genetics (formerly Invitae), Labcorp
Classification: Uncertain significance for Hereditary breast ovarian cancer syndrome. Last evaluated: 2021-06-21. Review status: criteria provided, single submitter. Criteria: Invitae Variant Classification Sherloc (09022015). Collection method: clinical testing. Allele origin: germline.
Comment: Experimental studies have shown that this variant affects BRCA2 protein function (PMID: 33609447). In summary, the available evidence is currently insufficient to determine the role of this variant in disease. Therefore, it has been classified as a Variant of Uncertain Significance. Advanced modeling of protein sequence and biophysical properties (such as structural, functional, and spatial information, amino acid conservation, physicochemical variation, residue mobility, and thermodynamic stability) performed at Invitae indicates that this missense variant is expected to disrupt BRCA2 protein function. This variant has not been reported in the literature in individuals with BRCA2-related conditions. ClinVar contains an entry for this variant (Variation ID: 531417). This variant is not present in population databases (ExAC no frequency). This sequence change replaces asparagine with aspartic acid at codon 2622 of the BRCA2 protein (p.Asn2622Asp). The asparagine residue is highly conserved and there is a small physicochemical difference between asparagine and aspartic acid.

Literature cited by the submitters: PubMed 39779848 (cited by Ambry Genetics); PubMed 39779857 (cited by Ambry Genetics); PubMed 33609447 (cited by Labcorp Genetics (formerly Invitae), Labcorp).

NM_000059.4(BRCA2):c.7864A>G (p.Asn2622Asp)

Gene: BRCA2 (BRCA2 DNA repair associated; plus strand). Cytogenetic location: 13q13.1.
Variant type: single nucleotide variant.
Coding change: c.7864A>G on transcript NM_000059.4 (MANE Select); coding-DNA position 7864, A replaced by G.
Protein change: p.Asn2622Asp; replaces asparagine 2622 with aspartic acid.
Molecular consequence: missense variant.
Genome position (GRCh38, 1-based): chr13:32,362,581, A>G. VCF-style: chr13-32362581-A-G. GRCh37 (hg19) VCF-style: chr13-32936718-A-G.
Other names: short protein forms N2622D.
Identifiers: ClinVar variation 531417 (VCV000531417.10), dbSNP rs1555286837, ClinGen allele CA387747076.